The following is an entry in ClinVar:

NM_002890.3(RASA1):c.2655del (p.Trp885fs)

Genes: CCNH (cyclin H; minus strand), RASA1 (RAS p21 protein activator 1; plus strand). Cytogenetic location: 5q14.3.
Variant type: Deletion.
Coding change: c.2655del on transcript NM_002890.3 (MANE Select); coding-DNA position 2655, one base deleted (G; older notation c.2655delG).
Protein change: p.Trp885fs; shifts the reading frame from tryptophan 885.
Molecular consequence: frameshift variant. On other transcripts: intron variant (1).
Genome position (GRCh38, 1-based): chr5:87,380,560, G deleted; the last of 2 consecutive G bases (chr5:87,380,559-87,380,560); deleting either gives the same sequence. VCF-style (leftmost placement, unchanged base first): chr5-87380558-TG-T. GRCh37 (hg19) VCF-style: chr5-86676375-TG-T.
Other names: c.2124del, p.Trp708fs (NM_022650.3); c.933+14485del (NM_001364075.2); short protein forms W708fs, W885fs.
Identifiers: ClinVar variation 3383382 (VCV003383382.1).
Genomic context (GRCh38, chr5:87,380,558, plus strand): 5'-TATTTTGGCAGGACATTGAGATATATTTATGGGTGTTTACAGAAATCTGTTCAGCATAAG[TG>T]GCCTACAAATACCACCATGAGAACAAGAGTTGTTAGGTAAGGCTCATCAATTGATTTGTT-3'

ClinVar aggregate classification (germline): Likely pathogenic (1 of 4 stars; one submission).

Conditions:
Capillary malformation-arteriovenous malformation 1 (CMAVM1). Identifiers: Orphanet 137667, Orphanet 693907, MedGen C4747394, MONDO:0020783, OMIM 608354.

Submission:

Genetics Department, Catlab
Classification: Likely pathogenic for Capillary malformation-arteriovenous malformation 1. Last evaluated: 2024-11-04. Review status: criteria provided, single submitter. Criteria: ACMG Guidelines, 2015. Collection method: clinical testing. Allele origin: germline. Affected: yes. Observed: 1 variant allele.
Comment: The c.2655del frameshift variant in the RASA1 gene is a loss of function variant predicted to undergo nonsense mediated decay and loss of function variants have been described as a causing mechanism for the gene (PVS1). The variant is absent from gnomAD 4.0 (PM2) and has not been previously found in patients to our knowledge. With all the available evidence, the variant is classified as likely pathogenic.